The following is an entry in ClinVar:

NM_005428.4(VAV1):c.2008C>T (p.Leu670Phe)

Gene: VAV1 (vav guanine nucleotide exchange factor 1; plus strand). Cytogenetic location: 19p13.3.
Variant type: single nucleotide variant.
Coding change: c.2008C>T on transcript NM_005428.4 (MANE Select); coding-DNA position 2008, C replaced by T.
Protein change: p.Leu670Phe; replaces leucine 670 with phenylalanine.
Molecular consequence: missense variant.
Genome position (GRCh38, 1-based): chr19:6,843,162, C>T. VCF-style: chr19-6843162-C-T. GRCh37 (hg19) VCF-style: chr19-6843173-C-T.
Other names: c.1942C>T, p.Leu648Phe (NM_001258206.2); c.1912C>T, p.Leu638Phe (NM_001258207.2); short protein forms L648F, L638F, L670F.
Identifiers: ClinVar variation 4717715 (VCV004717715.1).

ClinVar aggregate classification (germline): Uncertain significance (1 of 4 stars; one submission).

Submission:

Labcorp Genetics (formerly Invitae), Labcorp
Classification: Uncertain significance. Last evaluated: 2025-04-17. Review status: criteria provided, single submitter. Criteria: Invitae Variant Classification Sherloc (09022015). Collection method: clinical testing. Allele origin: germline.
Comment: This sequence change replaces leucine, which is neutral and non-polar, with phenylalanine, which is neutral and non-polar, at codon 670 of the VAV1 protein (p.Leu670Phe). This variant is not present in population databases (gnomAD no frequency). This variant has not been reported in the literature in individuals affected with VAV1-related conditions. An algorithm developed to predict the effect of missense changes on protein structure and function (PolyPhen-2) suggests that this variant is likely to be tolerated. In summary, the available evidence is currently insufficient to determine the role of this variant in disease. Therefore, it has been classified as a Variant of Uncertain Significance.